The following is an entry in ClinVar:

NM_025159.3(TASL):c.223C>A (p.His75Asn)

Gene: TASL (TLR adaptor interacting with endolysosomal SLC15A4; minus strand). Cytogenetic location: Xp21.2.
Variant type: single nucleotide variant.
Coding change: c.223C>A on transcript NM_025159.3 (MANE Select); coding-DNA position 223, C replaced by A.
Protein change: p.His75Asn; replaces histidine 75 with asparagine.
Molecular consequence: missense variant.
Genome position (GRCh38, 1-based): chrX:30,560,133, G>T on the plus strand (C>A on the coding strand, the complement: TASL is on the minus strand). VCF-style: chrX-30560133-G-T. GRCh37 (hg19) VCF-style: chrX-30578250-G-T.
Other names: short protein forms H75N.
Identifiers: ClinVar variation 1328361 (VCV001328361.26), dbSNP rs150122685, ClinGen allele CA10376535.

ClinVar aggregate classification (germline): Likely benign. Review status: criteria provided, single submitter (1 of 4 stars). 3 submissions from 3 submitters: Likely benign (1). 2 of the submissions do not count toward it. Last evaluated 2023-02-01.

Allele frequency attached by ClinVar (database versions not stated): TOPMed 0.00035; ESP Exome Variant Server 0.00038; gnomAD 0.00047 and 0.00049; gnomAD exomes 0.00049 and 0.00050; ExAC 0.00062.
gnomAD v4.1: 583 of 1,208,818 alleles (0.048%); highest among the groups gnomAD compares: Non-Finnish European, 0.062%; no homozygotes.

Submissions (3):

CeGaT Center for Human Genetics Tuebingen
Classification: Likely benign. Last evaluated: 2023-02-01. Review status: criteria provided, single submitter. Criteria: CeGaT Center For Human Genetics Tuebingen Variant Classification Criteria Version 2. Collection method: clinical testing. Allele origin: germline. Affected: yes. Observed: 1 variant allele.
Comment: TASL: BP4, BS2

Clinical Genetics DNA and cytogenetics Diagnostics Lab, Erasmus MC, Erasmus Medical Center
Classification: Likely benign. Review status: no assertion criteria provided. Collection method: clinical testing. Allele origin: germline. Affected: yes. Study: VKGL Data-share Consensus. Not counted in ClinVar's aggregate classification.

Laboratory of Diagnostic Genome Analysis, Leiden University Medical Center (LUMC)
Classification: Likely benign. Review status: no assertion criteria provided. Collection method: clinical testing. Allele origin: germline. Affected: yes. Study: VKGL Data-share Consensus. Not counted in ClinVar's aggregate classification.